The following is an entry in ClinVar:

NM_007194.4(CHEK2):c.468C>T (p.Tyr156=)

Gene: CHEK2 (checkpoint kinase 2; minus strand). Cytogenetic location: 22q12.1.
Variant type: single nucleotide variant.
Coding change: c.468C>T on transcript NM_007194.4 (MANE Select); coding-DNA position 468, C replaced by T.
Protein change: p.Tyr156=; no amino-acid change (tyrosine 156 retained).
Molecular consequence: synonymous variant. On other transcripts: 5 prime UTR variant (2), intron variant (1).
Genome position (GRCh38, 1-based): chr22:28,725,101, G>A on the plus strand (C>T on the coding strand, the complement: CHEK2 is on the minus strand). VCF-style: chr22-28725101-G-A. GRCh37 (hg19) VCF-style: chr22-29121089-G-A.
Other names: c.597C>T, p.Tyr199= (NM_001005735.3, NM_001438294.1); c.-310C>T (NM_001257387.3); c.-196C>T (NM_001437942.1); c.561C>T, p.Tyr187= (NM_001438293.1, NM_001438295.1); c.468C>T, p.Tyr156= (NM_145862.3); c.444+142C>T (NM_001349956.3).
Identifiers: ClinVar variation 491617 (VCV000491617.20), dbSNP rs1555926996, ClinGen allele CA514168938.

ClinVar aggregate classification (germline): Benign/Likely benign. Review status: criteria provided, multiple submitters, no conflicts (2 of 4 stars). 5 submissions from 5 submitters: Benign (1); Likely benign (4). Last evaluated 2025-12-15.

Conditions:
Familial cancer of breast. Also called: Hereditary breast cancer; hereditary breast carcinoma; BREAST CANCER, FAMILIAL. Identifiers: Orphanet 227535, MedGen C0346153, MONDO:0016419, OMIM 114480. Disease mechanism: loss of function.
Hereditary cancer-predisposing syndrome. Also called: Hereditary neoplastic syndrome; Tumor predisposition; Hereditary Cancer Syndrome; Neoplastic Syndromes, Hereditary. Identifiers: Orphanet 140162, MedGen C0027672, MeSH D009386, MONDO:0015356.

Allele frequency attached by ClinVar (database versions not stated): TOPMed below 0.00001; gnomAD 0.00001; gnomAD exomes 0.00001.
gnomAD v4.1: 15 of 1,613,970 alleles (0.00093%); highest among the groups gnomAD compares: Admixed American, 0.005%; no homozygotes.

Submissions (5):

Labcorp Genetics (formerly Invitae), Labcorp
Classification: Likely benign for Familial cancer of breast. Last evaluated: 2025-12-15. Review status: criteria provided, single submitter. Criteria: Invitae Variant Classification Sherloc (09022015). Collection method: clinical testing. Allele origin: germline.

Myriad Genetics, Inc.
Classification: Benign for Familial cancer of breast. Last evaluated: 2024-10-02. Review status: criteria provided, single submitter. Criteria: Myriad Autosomal Dominant, Autosomal Recessive and X-Linked Classification Criteria (2023). Collection method: clinical testing. Allele origin: unknown.
Comment: This variant is considered benign. This variant is a silent/synonymous amino acid change and it is not expected to impact splicing.

GeneDx
Classification: Likely benign. Last evaluated: 2021-04-15. Review status: criteria provided, single submitter. Criteria: GeneDx Variant Classification Process June 2021. Collection method: clinical testing. Allele origin: germline. Affected: yes.

Ambry Genetics
Classification: Likely benign for Hereditary cancer-predisposing syndrome. Last evaluated: 2019-03-08. Review status: criteria provided, single submitter. Criteria: Ambry Variant Classification Scheme 2023. Collection method: clinical testing. Allele origin: germline.

Color Diagnostics, LLC DBA Color Health
Classification: Likely benign for Hereditary cancer-predisposing syndrome. Last evaluated: 2017-04-03. Review status: criteria provided, single submitter. Criteria: ACMG Guidelines, 2015. Collection method: clinical testing. Allele origin: germline.